The following is an entry in ClinVar:

NC_000011.10:g.530587G>C

Genes: HRAS (HRas proto-oncogene, GTPase; minus strand), LRRC56 (leucine rich repeat containing 56; plus strand). Cytogenetic location: 11p15.5.
Variant type: single nucleotide variant.
Genome position: GRCh38 VCF-style: chr11-530587-G-C. GRCh37 (hg19) VCF-style: chr11-530587-G-C.
Identifiers: ClinVar variation 2641061 (VCV002641061.24), dbSNP rs78408310, ClinGen allele CA216941456.

ClinVar aggregate classification (germline): Benign (1 of 4 stars; one submission).

Submission:

CeGaT Center for Human Genetics Tuebingen
Classification: Benign. Last evaluated: 2022-05-01. Review status: criteria provided, single submitter. Criteria: CeGaT Center For Human Genetics Tuebingen Variant Classification Criteria Version 2. Collection method: clinical testing. Allele origin: germline. Affected: yes. Observed: 1 variant allele.
Comment: HRAS: BS1, BS2